The following is an entry in ClinVar:

ClinVar aggregate classification (germline): Uncertain significance (1 of 4 stars; one submission).

Conditions:
Hereditary pancreatitis (PCTT). Also called: PRSS1-Related Hereditary Pancreatitis; Hereditary chronic pancreatitis. Identifiers: Orphanet 676, MedGen C0238339, MONDO:0008185, OMIM 167800.

Allele frequency attached by ClinVar (database versions not stated): gnomAD 0.00001.
gnomAD v4.1: 1 of 1,613,484 alleles (0.000062%); highest among the groups gnomAD compares: Non-Finnish European, 0.000085%; no homozygotes.

Submission:

Ambry Genetics
Classification: Uncertain significance for Hereditary pancreatitis. Last evaluated: 2025-10-03. Review status: criteria provided, single submitter. Criteria: Ambry Variant Classification Scheme 2023. Collection method: clinical testing. Allele origin: germline.
Comment: The p.S18P variant (also known as c.52T>C), located in coding exon 1 of the SPINK1 gene, results from a T to C substitution at nucleotide position 52. The serine at codon 18 is replaced by proline, an amino acid with similar properties. This amino acid position is not well conserved in available vertebrate species. In addition, this alteration is predicted to be tolerated by in silico analysis. Since supporting evidence is limited at this time, the clinical significance of this alteration remains unclear.

NM_001379610.1(SPINK1):c.52T>C (p.Ser18Pro)

Gene: SPINK1 (serine peptidase inhibitor Kazal type 1; minus strand). Cytogenetic location: 5q32.
Variant type: single nucleotide variant.
Coding change: c.52T>C on transcript NM_001379610.1 (MANE Select); coding-DNA position 52, T replaced by C.
Protein change: p.Ser18Pro; replaces serine 18 with proline.
Molecular consequence: missense variant.
Genome position (GRCh38, 1-based): chr5:147,831,526, A>G on the plus strand (T>C on the coding strand, the complement: SPINK1 is on the minus strand). VCF-style: chr5-147831526-A-G. GRCh37 (hg19) VCF-style: chr5-147211089-A-G.
Other names: c.52T>C, p.Ser18Pro (NM_001354966.2, NM_003122.5); short protein forms S18P.
Identifiers: ClinVar variation 2626713 (VCV002626713.3), dbSNP rs1168000399, ClinGen allele CA361885488.